The following is an entry in ClinVar:

NM_019842.4(KCNQ5):c.149C>T (p.Ser50Leu)

Genes: KCNQ5 (potassium voltage-gated channel subfamily Q member 5; plus strand), KCNQ5-DT (KCNQ5 divergent transcript; minus strand). Cytogenetic location: 6q13.
Variant type: single nucleotide variant.
Coding change: c.149C>T on transcript NM_019842.4 (MANE Select); coding-DNA position 149, C replaced by T.
Protein change: p.Ser50Leu; replaces serine 50 with leucine.
Molecular consequence: missense variant.
Genome position (GRCh38, 1-based): chr6:72,622,338, C>T. VCF-style: chr6-72622338-C-T. GRCh37 (hg19) VCF-style: chr6-73332066-C-T.
Other names: c.149C>T (NM_001160133.1); c.149C>T, p.Ser50Leu (NM_001160130.2, NM_001160132.2, NM_001160133.2 and 1 more transcripts); short protein forms S50L.
Identifiers: ClinVar variation 1423206 (VCV001423206.8), dbSNP rs1010356552, ClinGen allele CA141452117.

ClinVar aggregate classification (germline): Conflicting classifications of pathogenicity. Review status: criteria provided, conflicting classifications (1 of 4 stars). 3 submissions from 3 submitters: Uncertain significance (1); Benign (1); Likely benign (1). Last evaluated 2026-03-24.

Conditions:
KCNQ5-related disorder. Also called: KCNQ5-related condition.
Inborn genetic diseases. Identifiers: MedGen C0950123, MeSH D030342.

Allele frequency attached by ClinVar (database versions not stated): gnomAD 0.00005; TOPMed 0.00005.

Submissions (3):

Ambry Genetics
Classification: Likely benign for Inborn genetic diseases. Last evaluated: 2026-03-24. Review status: criteria provided, single submitter. Criteria: Ambry Variant Classification Scheme 2023. Collection method: clinical testing. Allele origin: germline.

PreventionGenetics, part of Exact Sciences
Classification: Uncertain significance for KCNQ5-related condition. Last evaluated: 2024-12-16. Review status: criteria provided, single submitter. Criteria: ACMG Guidelines, 2015. Collection method: clinical testing. Allele origin: germline.
Comment: The KCNQ5 c.149C>T variant is predicted to result in the amino acid substitution p.Ser50Leu. To our knowledge, this variant has not been reported in the literature. This variant is reported in 0.012% of alleles in individuals of African descent in gnomAD. At this time, the clinical significance of this variant is uncertain due to the absence of conclusive functional and genetic evidence.

Labcorp Genetics (formerly Invitae), Labcorp
Classification: Benign. Last evaluated: 2024-10-23. Review status: criteria provided, single submitter. Criteria: Invitae Variant Classification Sherloc (09022015). Collection method: clinical testing. Allele origin: germline.